The following is an entry in ClinVar:

NM_000263.4(NAGLU):c.962C>T (p.Ser321Phe)

Gene: NAGLU (N-acetyl-alpha-glucosaminidase; plus strand). Cytogenetic location: 17q21.2.
Variant type: single nucleotide variant.
Coding change: c.962C>T on transcript NM_000263.4 (MANE Select); coding-DNA position 962, C replaced by T.
Protein change: p.Ser321Phe; replaces serine 321 with phenylalanine.
Molecular consequence: missense variant.
Genome position (GRCh38, 1-based): chr17:42,541,147, C>T. VCF-style: chr17-42541147-C-T. GRCh37 (hg19) VCF-style: chr17-40693165-C-T.
Other names: short protein forms S321F.
Identifiers: ClinVar variation 2150088 (VCV002150088.2), dbSNP rs2092920803, ClinGen allele CA399600310.
Genomic context (GRCh38, chr17:42,541,147, plus strand): 5'-AAGAGTTTGGCACAGACCACATCTATGGGGCCGACACTTTCAATGAGATGCAGCCACCTT[C>T]CTCAGAGCCCTCCTACCTTGCCGCAGCCACCACTGCCGTCTATGAGGCCATGACTGCAGG-3'
Protein context (NP_000254.2, residues 311-331): ADTFNEMQPP[Ser321Phe]SEPSYLAAAT

ClinVar aggregate classification (germline): Uncertain significance (1 of 4 stars; one submission).

Conditions:
Charcot-Marie-Tooth disease axonal type 2V. Also called: CHARCOT-MARIE-TOOTH NEUROPATHY, TYPE 2V; CHARCOT-MARIE-TOOTH DISEASE, AXONAL, AUTOSOMAL DOMINANT, TYPE 2V. Identifiers: Orphanet 447964, MedGen C5569050, MONDO:0014665, OMIM 616491.
Mucopolysaccharidosis, MPS-III-B (MPS3B). Also called: N-ACETYL-ALPHA-D-GLUCOSAMINIDASE DEFICIENCY; NAGLU DEFICIENCY; SANFILIPPO SYNDROME B; MPS III B; MUCOPOLYSACCHARIDOSIS, TYPE IIIB; MPS IIIB (Sanfilippo Syndrome Type B). Identifiers: Orphanet 79270, MedGen C0086648, MONDO:0009656, OMIM 252920.

Submission:

Labcorp Genetics (formerly Invitae), Labcorp
Classification: Uncertain significance for Charcot-Marie-Tooth disease axonal type 2V; Mucopolysaccharidosis, MPS-III-B. Last evaluated: 2024-12-03. Review status: criteria provided, single submitter. Criteria: Invitae Variant Classification Sherloc (09022015). Collection method: clinical testing. Allele origin: germline.
Comment: This sequence change replaces serine, which is neutral and polar, with phenylalanine, which is neutral and non-polar, at codon 321 of the NAGLU protein (p.Ser321Phe). This variant is not present in population databases (gnomAD no frequency). This variant has not been reported in the literature in individuals affected with NAGLU-related conditions. ClinVar contains an entry for this variant (Variation ID: 2150088). An algorithm developed to predict the effect of missense changes on protein structure and function outputs the following: PolyPhen-2: "Benign". The phenylalanine amino acid residue is found in multiple mammalian species, which suggests that this missense change does not adversely affect protein function. In summary, the available evidence is currently insufficient to determine the role of this variant in disease. Therefore, it has been classified as a Variant of Uncertain Significance.